The following is an entry in ClinVar:

NM_144999.4(LRRC45):c.412G>A (p.Gly138Arg)

Gene: LRRC45 (leucine rich repeat containing 45; plus strand). Cytogenetic location: 17q25.3.
Variant type: single nucleotide variant.
Coding change: c.412G>A on transcript NM_144999.4 (MANE Select); coding-DNA position 412, G replaced by A.
Protein change: p.Gly138Arg; replaces glycine 138 with arginine.
Molecular consequence: missense variant.
Genome position (GRCh38, 1-based): chr17:82,025,058, G>A. VCF-style: chr17-82025058-G-A. GRCh37 (hg19) VCF-style: chr17-79982934-G-A.
Other names: c.412G>A (NM_144999.3); short protein forms G138R.
Identifiers: ClinVar variation 2281616 (VCV002281616.3), dbSNP rs780306000, ClinGen allele CA8847648.

ClinVar aggregate classification (germline): Uncertain significance. Review status: criteria provided, multiple submitters, no conflicts (2 of 4 stars). 2 submissions from 2 submitters: Uncertain significance (2). Last evaluated 2025-12-09.

Conditions:
LRRC45-related disorder. Also called: LRRC45-related condition.

Allele frequency attached by ClinVar (database versions not stated): TOPMed 0.00007; ExAC 0.00009; gnomAD 0.00009.
gnomAD v4.1: 79 of 1,608,754 alleles (0.0049%); highest among the groups gnomAD compares: Admixed American, 0.023%; no homozygotes.

Submissions (2):

PreventionGenetics, part of Exact Sciences
Classification: Uncertain significance for LRRC45-related condition. Last evaluated: 2025-12-09. Review status: criteria provided, single submitter. Criteria: ACMG Guidelines, 2015. Collection method: clinical testing. Allele origin: germline.
Comment: The LRRC45 c.412G>A variant is predicted to result in the amino acid substitution p.Gly138Arg. To our knowledge, this variant has not been reported in the literature. This variant is reported in 0.014% of alleles in individuals of Latino descent in gnomAD. At this time, the clinical significance of this variant is uncertain due to the absence of conclusive functional and genetic evidence.

Ambry Genetics
Classification: Uncertain significance. Last evaluated: 2022-04-07. Review status: criteria provided, single submitter. Criteria: Ambry Variant Classification Scheme 2023. Collection method: clinical testing. Allele origin: germline.